The following is an entry in ClinVar:

NM_002017.5(FLI1):c.85C>A (p.Leu29Ile)

Gene: FLI1 (Fli-1 proto-oncogene, ETS transcription factor; plus strand). Cytogenetic location: 11q24.3.
Variant type: single nucleotide variant.
Coding change: c.85C>A on transcript NM_002017.5 (MANE Select); coding-DNA position 85, C replaced by A.
Protein change: p.Leu29Ile; replaces leucine 29 with isoleucine.
Molecular consequence: missense variant. On other transcripts: 5 prime UTR variant (6).
Genome position (GRCh38, 1-based): chr11:128,758,181, C>A. VCF-style: chr11-128758181-C-A. GRCh37 (hg19) VCF-style: chr11-128628076-C-A.
Other names: c.-15C>A (NM_001167681.3, NM_001440369.1, NM_001440370.1 and 1 more transcripts); c.-285C>A (NM_001271010.2); c.-136C>A (NM_001271012.2); c.85C>A, p.Leu29Ile (NM_001440372.1); short protein forms L29I.
Identifiers: ClinVar variation 4743814 (VCV004743814.1).

ClinVar aggregate classification (germline): Uncertain significance (1 of 4 stars; one submission).

Submission:

Labcorp Genetics (formerly Invitae), Labcorp
Classification: Uncertain significance. Last evaluated: 2025-04-30. Review status: criteria provided, single submitter. Criteria: Invitae Variant Classification Sherloc (09022015). Collection method: clinical testing. Allele origin: germline.
Comment: This sequence change replaces leucine, which is neutral and non-polar, with isoleucine, which is neutral and non-polar, at codon 29 of the FLI1 protein (p.Leu29Ile). This variant is not present in population databases (gnomAD no frequency). This variant has not been reported in the literature in individuals affected with FLI1-related conditions. Invitae Evidence Modeling of protein sequence and biophysical properties (such as structural, functional, and spatial information, amino acid conservation, physicochemical variation, residue mobility, and thermodynamic stability) indicates that this missense variant is not expected to disrupt FLI1 protein function with a negative predictive value of 80%. In summary, the available evidence is currently insufficient to determine the role of this variant in disease. Therefore, it has been classified as a Variant of Uncertain Significance.